The following is an entry in ClinVar:

NM_001374353.1(GLI2):c.148+45_148+46del

Gene: GLI2 (GLI family zinc finger 2; plus strand). Cytogenetic location: 2q14.2.
Variant type: Deletion.
Coding change: c.148+45_148+46del on transcript NM_001374353.1 (MANE Select); bases 45 to 46 of the intron after coding-DNA position 148, 2 bases deleted (CA; older notation c.148+45_148+46delCA).
Molecular consequence: intron variant.
Genome position (GRCh38, 1-based): chr2:120,797,513-120,797,514, CA deleted. VCF-style (leftmost placement, unchanged base first): chr2-120797512-TCA-T. GRCh37 (hg19) VCF-style: chr2-121555088-TCA-T.
Other names: c.148+45_148+46del (NM_001371271.1, NM_005270.5); c.-122+45_-122+46del (NM_001374354.1).
Identifiers: ClinVar variation 3033653 (VCV003033653.2), dbSNP rs754037579, ClinGen allele CA1851426.
Genomic context (GRCh38, chr2:120,797,512, plus strand): 5'-GGTAGCTGCCCAAGGAGGTACTTTCTGTTTCGCACACTTGGAGGGCAGCAGGGGTGTTTT[TCA>T]TTAGCCCGTTAGGATTTAATTAGAGTGGTGGCCCATGTCGTCAGGGAGGCATGCTGGGTT-3'

ClinVar aggregate classification (germline): Likely benign (0 of 4 stars; one submission).

Conditions:
GLI2-related disorder. Also called: GLI2-related condition; GLI2-related disorders.

Allele frequency attached by ClinVar (database versions not stated): gnomAD exomes 0.00014; ExAC 0.00015; gnomAD 0.00029.

Submission:

PreventionGenetics, part of Exact Sciences
Classification: Likely benign for GLI2-related condition. Last evaluated: 2019-07-15. Review status: no assertion criteria provided. Collection method: clinical testing. Allele origin: germline.
Comment: This variant is classified as likely benign based on ACMG/AMP sequence variant interpretation guidelines (Richards et al. 2015 PMID: 25741868, with internal and published modifications).